The following is an entry in ClinVar:

ClinVar aggregate classification (germline): Uncertain significance (1 of 4 stars; one submission).

gnomAD v4.1: 14 of 1,613,672 alleles (0.00087%); highest among the groups gnomAD compares: African/African-American, 0.016%; no homozygotes.

Submission:

Labcorp Genetics (formerly Invitae), Labcorp
Classification: Uncertain significance. Last evaluated: 2025-09-04. Review status: criteria provided, single submitter. Criteria: Invitae Variant Classification Sherloc (09022015). Collection method: clinical testing. Allele origin: germline.
Comment: This sequence change replaces aspartic acid, which is acidic and polar, with asparagine, which is neutral and polar, at codon 651 of the BUB1 protein (p.Asp651Asn). This variant is present in population databases (rs375128586, gnomAD 0.01%). This variant has not been reported in the literature in individuals affected with BUB1-related conditions. An algorithm developed to predict the effect of missense changes on protein structure and function outputs the following: PolyPhen-2: "Not Available". The asparagine amino acid residue is found in multiple mammalian species, which suggests that this missense change does not adversely affect protein function. In summary, the available evidence is currently insufficient to determine the role of this variant in disease. Therefore, it has been classified as a Variant of Uncertain Significance.

NM_004336.5(BUB1):c.1951G>A (p.Asp651Asn)

Gene: BUB1 (BUB1 mitotic checkpoint serine/threonine kinase; minus strand). Cytogenetic location: 2q13.
Variant type: single nucleotide variant.
Coding change: c.1951G>A on transcript NM_004336.5 (MANE Select); coding-DNA position 1951, G replaced by A.
Protein change: p.Asp651Asn; replaces aspartic acid 651 with asparagine.
Molecular consequence: missense variant.
Genome position (GRCh38, 1-based): chr2:110,653,449, C>T on the plus strand (G>A on the coding strand, the complement: BUB1 is on the minus strand). VCF-style: chr2-110653449-C-T. GRCh37 (hg19) VCF-style: chr2-111411026-C-T.
Other names: c.1891G>A, p.Asp631Asn (NM_001278616.2); c.1951G>A, p.Asp651Asn (NM_001278617.2); short protein forms D631N, D651N.
Identifiers: ClinVar variation 4798820 (VCV004798820.1).